The following is an entry in ClinVar:

NM_001184880.2(PCDH19):c.3226C>A (p.Pro1076Thr)

Gene: PCDH19 (protocadherin 19; minus strand). Cytogenetic location: Xq22.1.
Variant type: single nucleotide variant.
Coding change: c.3226C>A on transcript NM_001184880.2 (MANE Select); coding-DNA position 3226, C replaced by A.
Protein change: p.Pro1076Thr; replaces proline 1076 with threonine.
Molecular consequence: missense variant.
Genome position (GRCh38, 1-based): chrX:100,296,498, G>T on the plus strand (C>A on the coding strand, the complement: PCDH19 is on the minus strand). VCF-style: chrX-100296498-G-T. GRCh37 (hg19) VCF-style: chrX-99551496-G-T.
Other names: c.3085C>A, p.Pro1029Thr (NM_001105243.2); c.3082C>A, p.Pro1028Thr (NM_020766.3); short protein forms P1028T, P1029T, P1076T.
Identifiers: ClinVar variation 3635014 (VCV003635014.2).

ClinVar aggregate classification (germline): Uncertain significance (1 of 4 stars; one submission).

Conditions:
Developmental and epileptic encephalopathy, 9 (DEE9). Also called: Early infantile epileptic encephalopathy 9; EPILEPSY, FEMALE-RESTRICTED, WITH MENTAL RETARDATION; JUBERG-HELLMAN SYNDROME; PCDH19-Related X-Linked Female-Limited Epilepsy with Mental Retardation. Identifiers: Orphanet 101039, Orphanet 2076, MedGen C1848137, MONDO:0010246, OMIM 300088. Disease mechanism: loss of function.

Submission:

Labcorp Genetics (formerly Invitae), Labcorp
Classification: Uncertain significance for Developmental and epileptic encephalopathy, 9. Last evaluated: 2025-03-04. Review status: criteria provided, single submitter. Criteria: Invitae Variant Classification Sherloc (09022015). Collection method: clinical testing. Allele origin: germline.
Comment: This sequence change replaces proline, which is neutral and non-polar, with threonine, which is neutral and polar, at codon 1076 of the PCDH19 protein (p.Pro1076Thr). This variant is not present in population databases (gnomAD no frequency). This variant has not been reported in the literature in individuals affected with PCDH19-related conditions. Invitae Evidence Modeling of protein sequence and biophysical properties (such as structural, functional, and spatial information, amino acid conservation, physicochemical variation, residue mobility, and thermodynamic stability) indicates that this missense variant is not expected to disrupt PCDH19 protein function with a negative predictive value of 95%. In summary, the available evidence is currently insufficient to determine the role of this variant in disease. Therefore, it has been classified as a Variant of Uncertain Significance.